The following is an entry in ClinVar:

ClinVar aggregate classification (germline): Uncertain significance. Review status: criteria provided, multiple submitters, no conflicts (2 of 4 stars). 3 submissions from 3 submitters: Uncertain significance (3). Last evaluated 2025-06-04.

Conditions:
Charcot-Marie-Tooth disease axonal type 2O. Also called: CHARCOT-MARIE-TOOTH NEUROPATHY, AXONAL, TYPE 2O; CHARCOT-MARIE-TOOTH DISEASE, AXONAL, AUTOSOMAL DOMINANT, TYPE 2O; Charcot-Marie-Tooth Neuropathy Type 2O; Charcot-Marie-Tooth disease, axonal, type 20. Identifiers: Orphanet 284232, MedGen C3280220, MONDO:0013644, OMIM 614228.
Inborn genetic diseases. Identifiers: MedGen C0950123, MeSH D030342.

gnomAD v4.1: 8 of 1,614,124 alleles (0.0005%); highest among the groups gnomAD compares: East Asian, 0.0022%; no homozygotes.

Submissions (3):

Labcorp Genetics (formerly Invitae), Labcorp
Classification: Uncertain significance for Charcot-Marie-Tooth disease axonal type 2O. Last evaluated: 2025-06-04. Review status: criteria provided, single submitter. Criteria: Invitae Variant Classification Sherloc (09022015). Collection method: clinical testing. Allele origin: germline.
Comment: This sequence change replaces arginine, which is basic and polar, with histidine, which is basic and polar, at codon 2694 of the DYNC1H1 protein (p.Arg2694His). This variant is not present in population databases (gnomAD no frequency). This variant has not been reported in the literature in individuals affected with DYNC1H1-related conditions. ClinVar contains an entry for this variant (Variation ID: 1761916). Invitae Evidence Modeling of protein sequence and biophysical properties (such as structural, functional, and spatial information, amino acid conservation, physicochemical variation, residue mobility, and thermodynamic stability) has been performed for this missense variant. However, the output from this modeling did not meet the statistical confidence thresholds required to predict the impact of this variant on DYNC1H1 protein function. In summary, the available evidence is currently insufficient to determine the role of this variant in disease. Therefore, it has been classified as a Variant of Uncertain Significance.

Blueprint Genetics
Classification: Uncertain significance. Last evaluated: 2021-03-05. Review status: criteria provided, single submitter. Criteria: ACMG Guidelines, 2015. Collection method: clinical testing. Allele origin: germline.

Ambry Genetics
Classification: Uncertain significance for Inborn genetic diseases. Last evaluated: 2021-03-01. Review status: criteria provided, single submitter. Criteria: Ambry Variant Classification Scheme 2023. Collection method: clinical testing. Allele origin: germline.
Comment: The p.R2694H variant (also known as c.8081G>A), located in coding exon 40 of the DYNC1H1 gene, results from a G to A substitution at nucleotide position 8081. The arginine at codon 2694 is replaced by histidine, an amino acid with highly similar properties. This amino acid position is highly conserved in available vertebrate species. In addition, the in silico prediction for this alteration is inconclusive. Since supporting evidence is limited at this time, the clinical significance of this alteration remains unclear.

NM_001376.5(DYNC1H1):c.8081G>A (p.Arg2694His)

Gene: DYNC1H1 (dynein cytoplasmic 1 heavy chain 1; plus strand). Cytogenetic location: 14q32.31.
Variant type: single nucleotide variant.
Coding change: c.8081G>A on transcript NM_001376.5 (MANE Select); coding-DNA position 8081, G replaced by A.
Protein change: p.Arg2694His; replaces arginine 2694 with histidine.
Molecular consequence: missense variant.
Genome position (GRCh38, 1-based): chr14:102,017,408, G>A. VCF-style: chr14-102017408-G-A. GRCh37 (hg19) VCF-style: chr14-102483745-G-A.
Other names: short protein forms R2694H.
Identifiers: ClinVar variation 1761916 (VCV001761916.4), dbSNP rs1387895396, ClinGen allele CA391004283.